The following is an entry in ClinVar:

NM_001321759.2(CDIN1):c.439G>A (p.Asp147Asn)

Gene: CDIN1 (CDAN1 interacting nuclease 1; plus strand). Cytogenetic location: 15q14.
Variant type: single nucleotide variant.
Coding change: c.439G>A on transcript NM_001321759.2 (MANE Select); coding-DNA position 439, G replaced by A.
Protein change: p.Asp147Asn; replaces aspartic acid 147 with asparagine.
Molecular consequence: missense variant.
Genome position (GRCh38, 1-based): chr15:36,692,138, G>A. VCF-style: chr15-36692138-G-A. GRCh37 (hg19) VCF-style: chr15-36984339-G-A.
Other names: c.439G>A, p.Asp147Asn (NM_001130010.3, NM_001290233.2, NM_001321760.2 and 1 more transcripts); c.145G>A, p.Asp49Asn (NM_001290232.2, NM_001321756.2, NM_032499.6); c.70G>A, p.Asp24Asn (NM_001321757.2); c.328G>A, p.Asp110Asn (NM_001321758.2); short protein forms D24N, D110N, D147N, D49N.
Identifiers: ClinVar variation 2185414 (VCV002185414.3), dbSNP rs371227376, ClinGen allele CA7468875.

ClinVar aggregate classification (germline): Uncertain significance (1 of 4 stars; one submission).

Allele frequency attached by ClinVar (database versions not stated): gnomAD exomes 0.00004; ExAC 0.00005; gnomAD 0.00005; TOPMed 0.00006; ESP Exome Variant Server 0.00017.
gnomAD v4.1: 60 of 1,613,610 alleles (0.0037%); highest among the groups gnomAD compares: Non-Finnish European, 0.0047%; no homozygotes.

Submission:

Labcorp Genetics (formerly Invitae), Labcorp
Classification: Uncertain significance. Last evaluated: 2023-02-25. Review status: criteria provided, single submitter. Criteria: Invitae Variant Classification Sherloc (09022015). Collection method: clinical testing. Allele origin: germline.
Comment: In summary, the available evidence is currently insufficient to determine the role of this variant in disease. Therefore, it has been classified as a Variant of Uncertain Significance. Advanced modeling of protein sequence and biophysical properties (such as structural, functional, and spatial information, amino acid conservation, physicochemical variation, residue mobility, and thermodynamic stability) performed at Invitae indicates that this missense variant is expected to disrupt C15orf41 protein function. ClinVar contains an entry for this variant (Variation ID: 2185414). This variant has not been reported in the literature in individuals affected with C15orf41-related conditions. This variant is present in population databases (rs371227376, gnomAD 0.008%). This sequence change replaces aspartic acid, which is acidic and polar, with asparagine, which is neutral and polar, at codon 147 of the C15orf41 protein (p.Asp147Asn).